The following is an entry in ClinVar:

ClinVar aggregate classification (germline): Conflicting classifications of pathogenicity. Review status: criteria provided, conflicting classifications (1 of 4 stars). 9 submissions from 9 submitters: Likely pathogenic (1); Uncertain significance (7); Likely benign (1). Last evaluated 2026-08-11.

Conditions:
ADGRV1-related disorder. Also called: ADGRV1-related disorders; ADGRV1-related condition.
Febrile seizures, familial, 4 (FEB4). Also called: CONVULSIONS, FAMILIAL FEBRILE, 4. Identifiers: MedGen C1858493, MONDO:0011443, OMIM 604352.
Usher syndrome type 2C. Also called: Usher syndrome, type 2B; USHER SYNDROME, TYPE IIC. Identifiers: Orphanet 231178, Orphanet 886, MedGen C2931213, MONDO:0011558, OMIM 605472.

Allele frequency attached by ClinVar (database versions not stated): gnomAD exomes 0.00032 and 0.00029; ExAC 0.00034; gnomAD 0.00021 and 0.00022; TOPMed 0.00022.
gnomAD v4.1: 493 of 1,610,604 alleles (0.031%); highest among the groups gnomAD compares: Middle Eastern, 0.083%; no homozygotes.

Submissions (9):

GeneDx
Classification: Uncertain significance. Last evaluated: 2026-08-11. Review status: criteria provided, single submitter. Criteria: GeneDx Variant Classification Process June 2021. Collection method: clinical testing. Allele origin: germline.
Comment: Identified in the heterozygous state in a patient with epilepsy and cardiac conduction disorder in published literature (PMID: 29261713); Identified as a single heterozygous variant in a patient with panuveitis in published literature (PMID: 32707200); In silico analysis supports that this missense variant has a deleterious effect on protein structure/function; This variant is associated with the following publications: (PMID: 29261713, 32707200, 34744978)

PreventionGenetics, part of Exact Sciences
Classification: Uncertain significance for ADGRV1-related condition. Last evaluated: 2026-08-01. Review status: criteria provided, single submitter. Criteria: ACMG Guidelines, 2015. Collection method: clinical testing. Allele origin: germline.
Comment: The ADGRV1 c.9643G>A variant is predicted to result in the amino acid substitution p.Glu3215Lys. This variant has been reported in individuals with panuveitis or epilepsy (Supplemental Table 2, Li et al. 2020. PubMed ID: 32707200; Coll et al. 2017. PubMed ID: 29261713) and this variant was also found in a sibling with epilepsy (Coll et al. 2017. PubMed ID: 29261713). This variant is reported in 0.046% of alleles in individuals of South Asian descent in gnomAD. At this time, the clinical significance of this variant is uncertain due to the absence of conclusive functional and genetic evidence.

Labcorp Genetics (formerly Invitae), Labcorp
Classification: Likely benign. Last evaluated: 2026-01-20. Review status: criteria provided, single submitter. Criteria: Invitae Variant Classification Sherloc (09022015). Collection method: clinical testing. Allele origin: germline.

Laboratory of Prof. Karen Avraham, Tel Aviv University
Classification: Likely pathogenic for Usher syndrome type 2C. Last evaluated: 2024-12-26. Review status: criteria provided, single submitter. Criteria: ACMG Guidelines, 2015. Collection method: research. Allele origin: germline. Affected: yes. Observed: 1 variant allele.
Comment: The ADGRV1 c.9643G>A:p.(Glu3215Lys) heterozygous variant is very rare and predicted deleterious. This variant was classified as likely pathogenic by Deafness Variation Database, and according to ClinVar SCV000063351.5, it was detected in hearing impaired individuals.

Blueprint Genetics
Classification: Uncertain significance. Last evaluated: 2024-11-26. Review status: criteria provided, single submitter. Criteria: ACMG Guidelines, 2015. Collection method: clinical testing. Allele origin: germline.

Revvity Omics, Revvity
Classification: Uncertain significance. Last evaluated: 2024-10-18. Review status: criteria provided, single submitter. Criteria: ACMG Guidelines, 2015. Collection method: clinical testing. Allele origin: germline.

Fulgent Genetics
Classification: Uncertain significance for Febrile seizures, familial, 4; Usher syndrome type 2C. Last evaluated: 2018-10-31. Review status: criteria provided, single submitter. Criteria: ACMG Guidelines, 2015. Collection method: clinical testing. Allele origin: unknown.

Laboratory for Molecular Medicine, Mass General Brigham Personalized Medicine
Classification: Uncertain significance. Last evaluated: 2018-01-25. Review status: criteria provided, single submitter. Criteria: LMM Criteria. Collection method: clinical testing. Allele origin: germline. Observed: 3 variant alleles.
Comment: The variant wa s also identified in 51/126478 European chromosomes by the Genome Aggregation Da tabase (gnomAD; dbSNP rs199499672). However, t his frequency is not high enough to rule out a pathogenic role. Computational pr ediction tools and conservation analysis suggest that this variant may impact th e protein, though this information is not predictive enough to determine pathoge nicity. In summary, the clinical significance of the p.Glu32215Lys variant is un certain. ACMG/AMP Criteria applied: PP3.

Eurofins Ntd Llc (ga)
Classification: Uncertain significance. Last evaluated: 2015-10-20. Review status: criteria provided, single submitter. Criteria: EGL Classification Definitions 2015. Collection method: clinical testing. Allele origin: germline. Observed: 2 variant alleles, 2 heterozygotes.

NM_032119.4(ADGRV1):c.9643G>A (p.Glu3215Lys)

Gene: ADGRV1 (adhesion G protein-coupled receptor V1; plus strand). Cytogenetic location: 5q14.3.
Variant type: single nucleotide variant.
Coding change: c.9643G>A on transcript NM_032119.4 (MANE Select); coding-DNA position 9643, G replaced by A.
Protein change: p.Glu3215Lys; replaces glutamic acid 3215 with lysine.
Molecular consequence: missense variant. On other transcripts: non-coding transcript variant (1).
Genome position (GRCh38, 1-based): chr5:90,720,954, G>A. VCF-style: chr5-90720954-G-A. GRCh37 (hg19) VCF-style: chr5-90016771-G-A.
Other names: USH2C; short protein forms E3215K.
Identifiers: ClinVar variation 46406 (VCV000046406.27), dbSNP rs199499672, ClinGen allele CA138271.